The following is an entry in ClinVar:

NC_000003.11:g.(?_71008398)_(71247532_?)dup

Gene: FOXP1 (forkhead box P1; minus strand). Cytogenetic location: 3p13.
Variant type: Duplication.
Identifiers: ClinVar variation 3247053 (VCV003247053.1).

ClinVar aggregate classification (germline): Uncertain significance (1 of 4 stars; one submission).

Submission:

Labcorp Genetics (formerly Invitae), Labcorp
Classification: Uncertain significance. Last evaluated: 2023-11-10. Review status: criteria provided, single submitter. Criteria: Invitae Variant Classification Sherloc (09022015). Collection method: clinical testing. Allele origin: unknown.
Comment: A copy number gain of the genomic region encompassing the full coding sequence of the FOXP1 gene has been identified. The boundaries of this event are unknown as they extend beyond the assayed region for this gene and therefore may encompass additional genes. As the precise location of this event is unknown, it may be in tandem or it may be located elsewhere in the genome. This variant has not been reported in the literature in individuals affected with FOXP1-related conditions. In summary, the available evidence is currently insufficient to determine the role of this variant in disease. Therefore, it has been classified as a Variant of Uncertain Significance.